The following is an entry in ClinVar:

ClinVar aggregate classification (germline): Uncertain significance (1 of 4 stars; one submission).

Submission:

Labcorp Genetics (formerly Invitae), Labcorp
Classification: Uncertain significance. Last evaluated: 2024-02-24. Review status: criteria provided, single submitter. Criteria: Invitae Variant Classification Sherloc (09022015). Collection method: clinical testing. Allele origin: germline.
Comment: This sequence change replaces leucine, which is neutral and non-polar, with isoleucine, which is neutral and non-polar, at codon 832 of the KMT2E protein (p.Leu832Ile). This variant is not present in population databases (gnomAD no frequency). This variant has not been reported in the literature in individuals affected with KMT2E-related conditions. ClinVar contains an entry for this variant (Variation ID: 1996413). Algorithms developed to predict the effect of missense changes on protein structure and function output the following: SIFT: "Not Available"; PolyPhen-2: "Benign"; Align-GVGD: "Not Available". The isoleucine amino acid residue is found in multiple mammalian species, which suggests that this missense change does not adversely affect protein function. In summary, the available evidence is currently insufficient to determine the role of this variant in disease. Therefore, it has been classified as a Variant of Uncertain Significance.

NM_182931.3(KMT2E):c.2494T>A (p.Leu832Ile)

Gene: KMT2E (lysine methyltransferase 2E (inactive); plus strand). Cytogenetic location: 7q22.3.
Variant type: single nucleotide variant.
Coding change: c.2494T>A on transcript NM_182931.3 (MANE Select); coding-DNA position 2494, T replaced by A.
Protein change: p.Leu832Ile; replaces leucine 832 with isoleucine.
Molecular consequence: missense variant.
Genome position (GRCh38, 1-based): chr7:105,105,901, T>A. VCF-style: chr7-105105901-T-A. GRCh37 (hg19) VCF-style: chr7-104746348-T-A.
Other names: c.2494T>A, p.Leu832Ile (NM_001410908.1, NM_018682.4); short protein forms L832I.
Identifiers: ClinVar variation 1996413 (VCV001996413.4), dbSNP rs2536504039, ClinGen allele CA368786549.